The following is an entry in ClinVar:

NR_002757.3(RNU5B-1):n.39C>G

Genes: RNU5B-1 (RNA, U5B small nuclear 1; plus strand), LOC130057317 (ATAC-STARR-seq lymphoblastoid silent region 6555; plus strand). Cytogenetic location: 15q22.31.
Variant type: single nucleotide variant.
Molecular consequence: non-coding transcript variant (on NR_002757.3).
Genome position: GRCh38 VCF-style: chr15-65304715-C-G. GRCh37 (hg19) VCF-style: chr15-65597053-C-G.
Identifiers: ClinVar variation 3362393 (VCV003362393.13).
Genomic context (GRCh38, chr15:65,304,715, plus strand): 5'-ACGAGTTATGAAATTAACAAGCATACTCTGGTTTCTCTTCAGATCGTATAAATCTTTCGC[C>G]TTTTACTAAAGATTTCCGTGGAGAGGAACAACTCTGAGTCTTAAGCTAATTTTTTGAGGC-3'

ClinVar aggregate classification (germline): Likely pathogenic. Review status: criteria provided, multiple submitters, no conflicts (2 of 4 stars). 4 submissions from 4 submitters: Likely pathogenic (4). Last evaluated 2025-06-01.

Conditions:
RNU5B-1-associated neurodevelopmental disorder.
RNU5B-1 related disorder.
RNU5B-1 related neurodevelopmental disorder with seizures and joint laxity. Also called: NEURODEVELOPMENTAL DISORDER WITH SEIZURES AND JOINT LAXITY. Identifiers: MedGen C6065898, MONDO:1060179, OMIM 621302.

Submissions (4):

CeGaT Center for Human Genetics Tuebingen
Classification: Likely pathogenic. Last evaluated: 2025-06-01. Review status: criteria provided, single submitter. Criteria: CeGaT Center For Human Genetics Tuebingen Variant Classification Criteria Version 2. Collection method: clinical testing. Allele origin: germline. Affected: yes. Observed: 1 variant allele.
Comment: RNU5B-1: PS2, PM2, PS3:Supporting

Institute of Human Genetics, University of Leipzig Medical Center
Classification: Likely pathogenic for RNU5B-1-associated neurodevelopmental disorder. Last evaluated: 2024-10-09. Review status: criteria provided, single submitter. Criteria: ACMG Guidelines, 2015. Collection method: literature only. Allele origin: de novo. Inheritance: Autosomal dominant inheritance. Affected: yes. Observed: 2 variant alleles.
Comment: This variant was identified as de novo

Groupe Hospitalier Pitie Salpetriere, Uf Genomique Du Developpement, Assistance Publique Hopitaux de Paris Sorbonne Université
Classification: Likely pathogenic for RNU5B-1 related neurodevelopmental disorder with seizures and joint laxity. Last evaluated: 2024-06-01. Review status: criteria provided, single submitter. Criteria: ACMG Guidelines, 2015. Collection method: clinical testing. Allele origin: germline. Affected: yes.
Comment: This variant is found de novo (PS2), moderate evidence that the prevalence of the variant in affected individuals is increased compared with controls (PS4_Mod) and absent or extremely rare in population databases (PM2_supp)

Institute for Human Genetics, University Hospital Essen
Classification: Likely pathogenic for RNU5B-1 related disorder. Last evaluated: 2005-03-05. Review status: criteria provided, single submitter. Criteria: ACMG Guidelines, 2015. Collection method: clinical testing. Allele origin: de novo. Inheritance: Autosomal dominant inheritance. Affected: yes.
Comment: PM2_supp, PS2, PS4_supp

Literature cited by the submitters: DOI 10.1101/2024.10.07.24314689 (cited by Institute of Human Genetics, University of Leipzig Medical Center).